The following is an entry in ClinVar:

ClinVar aggregate classification (germline): Conflicting classifications of pathogenicity. Review status: criteria provided, conflicting classifications (1 of 4 stars). 5 submissions from 5 submitters: Uncertain significance (2); Likely benign (3). Last evaluated 2026-07-30.

Conditions:
Hereditary cancer-predisposing syndrome. Also called: Tumor predisposition; Neoplastic Syndromes, Hereditary; Hereditary Cancer Syndrome; Hereditary neoplastic syndrome. Identifiers: Orphanet 140162, MedGen C0027672, MeSH D009386, MONDO:0015356.
Tuberous sclerosis syndrome (TSC). Also called: Tuberous Sclerosis Complex; Tuberous sclerosis. Identifiers: Orphanet 805, MedGen C0041341, MONDO:0001734.
Tuberous sclerosis 1 (TSC1). Identifiers: Orphanet 805, MedGen C1854465, MONDO:0008612, OMIM 191100.

Submissions (5):

Ambry Genetics
Classification: Likely benign for Hereditary cancer-predisposing syndrome. Last evaluated: 2026-07-30. Review status: criteria provided, single submitter. Criteria: Ambry Variant Classification Scheme 2023. Collection method: clinical testing. Allele origin: germline.

Labcorp Genetics (formerly Invitae), Labcorp
Classification: Uncertain significance for Tuberous sclerosis 1. Last evaluated: 2025-11-27. Review status: criteria provided, single submitter. Criteria: Invitae Variant Classification Sherloc (09022015). Collection method: clinical testing. Allele origin: germline.
Comment: This sequence change replaces serine, which is neutral and polar, with asparagine, which is neutral and polar, at codon 1029 of the TSC1 protein (p.Ser1029Asn). This variant is not present in population databases (gnomAD no frequency). This variant has not been reported in the literature in individuals affected with TSC1-related conditions. ClinVar contains an entry for this variant (Variation ID: 207619). Invitae Evidence Modeling of protein sequence and biophysical properties (such as structural, functional, and spatial information, amino acid conservation, physicochemical variation, residue mobility, and thermodynamic stability) indicates that this missense variant is not expected to disrupt TSC1 protein function with a negative predictive value of 95%. In summary, the available evidence is currently insufficient to determine the role of this variant in disease. Therefore, it has been classified as a Variant of Uncertain Significance.

Color Diagnostics, LLC DBA Color Health
Classification: Uncertain significance for Tuberous sclerosis syndrome. Last evaluated: 2025-06-05. Review status: criteria provided, single submitter. Criteria: ACMG Guidelines, 2015. Collection method: clinical testing. Allele origin: germline.
Comment: This missense variant replaces serine with asparagine at codon 1029 of the TSC1 protein. Computational prediction suggests that this variant may not impact protein structure and function. To our knowledge, functional studies have not been reported for this variant. This variant has not been reported in individuals affected with TSC1-related disorders in the literature. This variant has not been identified in the general population by the Genome Aggregation Database (gnomAD). The available evidence is insufficient to determine the role of this variant in disease conclusively. Therefore, this variant is classified as a Variant of Uncertain Significance.

Genome-Nilou Lab
Classification: Likely benign for Tuberous sclerosis 1. Last evaluated: 2021-11-07. Review status: criteria provided, single submitter. Criteria: ACMG Guidelines, 2015. Collection method: clinical testing. Allele origin: germline. Affected: no.

GeneDx
Classification: Likely benign. Last evaluated: 2016-02-29. Review status: criteria provided, single submitter. Criteria: GeneDx Variant Classification (06012015). Collection method: clinical testing. Allele origin: germline. Affected: yes.
Comment: This variant is considered likely benign or benign based on one or more of the following criteria: it is a conservative change, it occurs at a poorly conserved position in the protein, it is predicted to be benign by multiple in silico algorithms, and/or has population frequency not consistent with disease.

NM_000368.5(TSC1):c.3086G>A (p.Ser1029Asn)

Gene: TSC1 (TSC complex subunit 1; minus strand). Cytogenetic location: 9q34.13.
Variant type: single nucleotide variant.
Coding change: c.3086G>A on transcript NM_000368.5 (MANE Select); coding-DNA position 3086, G replaced by A.
Protein change: p.Ser1029Asn; replaces serine 1029 with asparagine.
Molecular consequence: missense variant.
Genome position (GRCh38, 1-based): chr9:132,896,644, C>T on the plus strand (G>A on the coding strand, the complement: TSC1 is on the minus strand). VCF-style: chr9-132896644-C-T. GRCh37 (hg19) VCF-style: chr9-135772031-C-T.
Other names: p.S1029N:AGT>AAT; c.3083G>A, p.Ser1028Asn (NM_001162426.2); c.2933G>A, p.Ser978Asn (NM_001162427.2); c.2723G>A, p.Ser908Asn (NM_001362177.2); short protein forms S1029N, S978N, S1028N, S908N.
Identifiers: ClinVar variation 207619 (VCV000207619.16), dbSNP rs796053450, ClinGen allele CA319258.